The following is an entry in ClinVar:

NM_006031.6(PCNT):c.3936G>T (p.Leu1312=)

Gene: PCNT (pericentrin; plus strand). Cytogenetic location: 21q22.3.
Variant type: single nucleotide variant.
Coding change: c.3936G>T on transcript NM_006031.6 (MANE Select); coding-DNA position 3936, G replaced by T.
Protein change: p.Leu1312=; no amino-acid change (leucine 1312 retained).
Molecular consequence: synonymous variant.
Genome position (GRCh38, 1-based): chr21:46,390,765, G>T. VCF-style: chr21-46390765-G-T. GRCh37 (hg19) VCF-style: chr21-47810680-G-T.
Other names: c.3582G>T, p.Leu1194= (NM_001315529.2); c.3936G>T (NM_006031.5).
Identifiers: ClinVar variation 2786189 (VCV002786189.4), dbSNP rs2518545100, ClinGen allele CA512738797.
Genomic context (GRCh38, chr21:46,390,765, plus strand): 5'-AAAAGAATTTAGTTTTAAGAATGAGGAGACAGCACAGGTTGTCAGGAAGCACCAGGAGCT[G>T]CTGGAGTGTTTGAAGGAGGAGAGCGCAGCAAAGGCAGAGCTGGCGCTGGAGCTGCACAAG-3'
Protein context (NP_006022.3, residues 1302-1322): TAQVVRKHQE[Leu1312=]LECLKEESAA

ClinVar aggregate classification (germline): Likely benign. Review status: criteria provided, multiple submitters, no conflicts (2 of 4 stars). 2 submissions from 2 submitters: Likely benign (2). Last evaluated 2026-02-22.

Conditions:
PCNT-related disorder. Also called: PCNT-related condition.

Allele frequency attached by ClinVar (database versions not stated): gnomAD exomes below 0.00001.
gnomAD v4.1: 6 of 1,613,276 alleles (0.00037%); highest among the groups gnomAD compares: Non-Finnish European, 0.00051%; no homozygotes.

Submissions (2):

PreventionGenetics, part of Exact Sciences
Classification: Likely benign for PCNT-related condition. Last evaluated: 2026-02-22. Review status: criteria provided, single submitter. Criteria: ACMG Guidelines, 2015. Collection method: clinical testing. Allele origin: germline.
Comment: This variant is classified as likely benign based on ACMG/AMP sequence variant interpretation guidelines (Richards et al. 2015 PMID: 25741868, with internal and published modifications).

Labcorp Genetics (formerly Invitae), Labcorp
Classification: Likely benign. Last evaluated: 2023-10-08. Review status: criteria provided, single submitter. Criteria: Invitae Variant Classification Sherloc (09022015). Collection method: clinical testing. Allele origin: germline.